The following is an entry in ClinVar:

ClinVar aggregate classification (germline): Uncertain significance (1 of 4 stars; one submission).

Conditions:
Brugada syndrome 8 (BRGDA8). Identifiers: Orphanet 130, MedGen C2751083, MONDO:0013148, OMIM 613123.

gnomAD v4.1: 2 of 1,613,166 alleles (0.00012%); highest among the groups gnomAD compares: South Asian, 0.0011%; no homozygotes.

Submission:

Labcorp Genetics (formerly Invitae), Labcorp
Classification: Uncertain significance for Brugada syndrome 8. Last evaluated: 2024-04-22. Review status: criteria provided, single submitter. Criteria: Invitae Variant Classification Sherloc (09022015). Collection method: clinical testing. Allele origin: germline.
Comment: This sequence change replaces arginine, which is basic and polar, with histidine, which is basic and polar, at codon 710 of the HCN4 protein (p.Arg710His). This variant is not present in population databases (gnomAD no frequency). This variant has not been reported in the literature in individuals affected with HCN4-related conditions. Advanced modeling of protein sequence and biophysical properties (such as structural, functional, and spatial information, amino acid conservation, physicochemical variation, residue mobility, and thermodynamic stability) performed at Invitae indicates that this missense variant is expected to disrupt HCN4 protein function with a positive predictive value of 80%. In summary, the available evidence is currently insufficient to determine the role of this variant in disease. Therefore, it has been classified as a Variant of Uncertain Significance.

NM_005477.3(HCN4):c.2129G>A (p.Arg710His)

Gene: HCN4 (hyperpolarization activated cyclic nucleotide gated potassium channel 4; minus strand). Cytogenetic location: 15q24.1.
Variant type: single nucleotide variant.
Coding change: c.2129G>A on transcript NM_005477.3 (MANE Select); coding-DNA position 2129, G replaced by A.
Protein change: p.Arg710His; replaces arginine 710 with histidine.
Molecular consequence: missense variant.
Genome position (GRCh38, 1-based): chr15:73,324,103, C>T on the plus strand (G>A on the coding strand, the complement: HCN4 is on the minus strand). VCF-style: chr15-73324103-C-T. GRCh37 (hg19) VCF-style: chr15-73616444-C-T.
Other names: short protein forms R710H.
Identifiers: ClinVar variation 3643331 (VCV003643331.1).